The following is an entry in ClinVar:

ClinVar aggregate classification (germline): Conflicting classifications of pathogenicity. Review status: criteria provided, conflicting classifications (1 of 4 stars). 2 submissions from 2 submitters: Likely pathogenic (1); Uncertain significance (1). Last evaluated 2023-12-18.

Conditions:
Early-infantile DEE. Also called: Early infantile epileptic encephalopathy; Early infantile epileptic encephalopathy with suppression bursts; Ohtahara syndrome. Identifiers: Orphanet 1934, MedGen C0393706, MONDO:0800491.

Submissions (2):

GeneDx
Classification: Likely pathogenic. Last evaluated: 2023-12-18. Review status: criteria provided, single submitter. Criteria: GeneDx Variant Classification Process June 2021. Collection method: clinical testing. Allele origin: germline. Affected: yes.
Comment: Not observed at significant frequency in large population cohorts (gnomAD); In silico analysis supports that this missense variant has a deleterious effect on protein structure/function; Has not been previously published as pathogenic or benign to our knowledge

Labcorp Genetics (formerly Invitae), Labcorp
Classification: Uncertain significance for Early-infantile DEE. Last evaluated: 2022-10-14. Review status: criteria provided, single submitter. Criteria: Invitae Variant Classification Sherloc (09022015). Collection method: clinical testing. Allele origin: germline.
Comment: In summary, the available evidence is currently insufficient to determine the role of this variant in disease. Therefore, it has been classified as a Variant of Uncertain Significance. Advanced modeling of protein sequence and biophysical properties (such as structural, functional, and spatial information, amino acid conservation, physicochemical variation, residue mobility, and thermodynamic stability) has been performed at Invitae for this missense variant, however the output from this modeling did not meet the statistical confidence thresholds required to predict the impact of this variant on SPTAN1 protein function. ClinVar contains an entry for this variant (Variation ID: 1310710). This variant has not been reported in the literature in individuals affected with SPTAN1-related conditions. This variant is not present in population databases (gnomAD no frequency). This sequence change replaces alanine, which is neutral and non-polar, with threonine, which is neutral and polar, at codon 2296 of the SPTAN1 protein (p.Ala2296Thr).

NM_001130438.3(SPTAN1):c.6886G>A (p.Ala2296Thr)

Gene: SPTAN1 (spectrin alpha, non-erythrocytic 1; plus strand). Cytogenetic location: 9q34.11.
Variant type: single nucleotide variant.
Coding change: c.6886G>A on transcript NM_001130438.3 (MANE Select); coding-DNA position 6886, G replaced by A.
Protein change: p.Ala2296Thr; replaces alanine 2296 with threonine.
Molecular consequence: missense variant.
Genome position (GRCh38, 1-based): chr9:128,632,250, G>A. VCF-style: chr9-128632250-G-A. GRCh37 (hg19) VCF-style: chr9-131394529-G-A.
Other names: c.6922G>A, p.Ala2308Thr (NM_001375312.2); c.6868G>A, p.Ala2290Thr (NM_001375313.1); c.6826G>A, p.Ala2276Thr (NM_001375314.2, NM_001363765.2); c.6985G>A, p.Ala2329Thr (NM_001375318.1); c.6871G>A, p.Ala2291Thr (NM_003127.4); c.6949G>A, p.Ala2317Thr (NM_001363759.2); c.6973G>A, p.Ala2325Thr (NM_001375310.1); c.6886G>A, p.Ala2296Thr (NM_001375311.2); and 1 more; short protein forms A2271T, A2276T, A2290T, A2291T, A2296T, A2308T, A2317T, A2325T.
Identifiers: ClinVar variation 1310710 (VCV001310710.8), dbSNP rs2132089475, ClinGen allele CA375098414.